The following is an entry in ClinVar:

NM_002834.5(PTPN11):c.138-12G>A

Gene: PTPN11 (protein tyrosine phosphatase non-receptor type 11; plus strand). Cytogenetic location: 12q24.13.
Variant type: single nucleotide variant.
Coding change: c.138-12G>A on transcript NM_002834.5 (MANE Select); 12 bases into the intron before coding-DNA position 138, G replaced by A.
Molecular consequence: intron variant.
Genome position (GRCh38, 1-based): chr12:112,450,306, G>A. VCF-style: chr12-112450306-G-A. GRCh37 (hg19) VCF-style: chr12-112888110-G-A.
Other names: c.138-12G>A (NM_080601.3, NM_001330437.2); c.138-15G>A (NM_001374625.1).
Identifiers: ClinVar variation 2027659 (VCV002027659.4), dbSNP rs2540415458, ClinGen allele CA2580085814.
Genomic context (GRCh38, chr12:112,450,306, plus strand): 5'-AGATGAGATCTGATTTTACTGGTGTAACTCTTTATTTGTCCCCTTGCCTCCCTTTCCAAT[G>A]GACTATTTTAGAAGAAATGGAGCTGTCACCCACATCAAGATTCAGAACACTGGTGATTAC-3'

ClinVar aggregate classification (germline): Uncertain significance (1 of 4 stars; one submission).

Conditions:
RASopathy. Also called: rasopathies; Noonan spectrum disorder. Identifiers: Orphanet 536391, MedGen C5555857, MONDO:0021060.

Submission:

Labcorp Genetics (formerly Invitae), Labcorp
Classification: Uncertain significance for RASopathy. Last evaluated: 2023-11-27. Review status: criteria provided, single submitter. Criteria: Invitae Variant Classification Sherloc (09022015). Collection method: clinical testing. Allele origin: germline.
Comment: This sequence change falls in intron 2 of the PTPN11 gene. It does not directly change the encoded amino acid sequence of the PTPN11 protein. This variant is not present in population databases (gnomAD no frequency). This variant has not been reported in the literature in individuals affected with PTPN11-related conditions. ClinVar contains an entry for this variant (Variation ID: 2027659). Algorithms developed to predict the effect of sequence changes on RNA splicing suggest that this variant may disrupt the consensus splice site. In summary, the available evidence is currently insufficient to determine the role of this variant in disease. Therefore, it has been classified as a Variant of Uncertain Significance.